The following is an entry in ClinVar:

NM_024675.4(PALB2):c.779dup (p.His261fs)

Gene: PALB2 (partner and localizer of BRCA2; minus strand). Cytogenetic location: 16p12.2.
Variant type: Duplication.
Coding change: c.779dup on transcript NM_024675.4 (MANE Select); coding-DNA position 779, one base duplicated (A; older notation c.779dupA).
Protein change: p.His261fs; shifts the reading frame from histidine 261.
Molecular consequence: frameshift variant.
Genome position (GRCh38, 1-based): chr16:23,635,767, T duplicated on the plus strand (A on the coding strand, the reverse complement: PALB2 is on the minus strand). VCF-style (leftmost placement, unchanged base first): chr16-23635766-C-CT. GRCh37 (hg19) VCF-style: chr16-23647087-C-CT.
Other names: c.719dup, p.His241Alafs (NM_001407296.1); c.779dup, p.His261Alafs (NM_001407297.1, NM_001407298.1, NM_001407299.1 and 3 more transcripts); c.-107dup (NM_001407304.1, NM_001407305.1, NM_001407306.1 and 5 more transcripts); short protein forms H261fs.
Identifiers: ClinVar variation 2028533 (VCV002028533.4), dbSNP rs2506499986, ClinGen allele CA2580091351.

ClinVar aggregate classification (germline): Pathogenic (1 of 4 stars; one submission).

Conditions:
Familial cancer of breast. Also called: hereditary breast carcinoma; BREAST CANCER, FAMILIAL; Hereditary breast cancer. Identifiers: Orphanet 227535, MedGen C0346153, MONDO:0016419, OMIM 114480. Disease mechanism: loss of function.

Submission:

Labcorp Genetics (formerly Invitae), Labcorp
Classification: Pathogenic for Familial cancer of breast. Last evaluated: 2022-09-02. Review status: criteria provided, single submitter. Criteria: Invitae Variant Classification Sherloc (09022015). Collection method: clinical testing. Allele origin: germline.
Comment: For these reasons, this variant has been classified as Pathogenic. This variant has not been reported in the literature in individuals affected with PALB2-related conditions. This variant is not present in population databases (gnomAD no frequency). This sequence change creates a premature translational stop signal (p.His261Alafs*3) in the PALB2 gene. It is expected to result in an absent or disrupted protein product. Loss-of-function variants in PALB2 are known to be pathogenic (PMID: 17200668, 17200671, 17200672, 24136930, 25099575).

Literature cited by the submitters: PubMed 17200668; PubMed 17200671; PubMed 17200672; PubMed 24136930; PubMed 25099575.